The following is an entry in ClinVar:

ClinVar aggregate classification (germline): Conflicting classifications of pathogenicity. Review status: criteria provided, conflicting classifications (1 of 4 stars). 8 submissions from 8 submitters: Pathogenic (2); Likely pathogenic (3); Uncertain significance (3). Last evaluated 2026-07-21.

Conditions:
PDE6B-related disorder. Also called: PDE6B-related disease; PDE6B-related condition; PDE6B-related disorders.
Retinal dystrophy. Also called: Inherited retinal dystrophy. Identifiers: Orphanet 71862, MedGen C0854723, MeSH D058499, MONDO:0019118, HP:0000556.
Retinitis pigmentosa (RP). Identifiers: Orphanet 791, MedGen C0035334, MeSH D012174, MONDO:0019200, OMIM 268000. Inheritance: Autosomal dominant, autosomal recessive and X linked inheritance.
Retinitis pigmentosa 40 (RP40). Identifiers: Orphanet 791, MedGen C3151107, MONDO:0013429, OMIM 613801.

Allele frequency attached by ClinVar (database versions not stated): gnomAD 0.00003; gnomAD exomes 0.00005 and 0.00006; TOPMed 0.00006; ExAC 0.00011; 1000 Genomes Project 30x 0.00016; 1000 Genomes Project 0.00020.
gnomAD v4.1: 78 of 1,597,526 alleles (0.0049%); highest among the groups gnomAD compares: Non-Finnish European, 0.0061%; 1 homozygote.

Submissions (8):

PreventionGenetics, part of Exact Sciences
Classification: Likely pathogenic for PDE6B-related condition. Last evaluated: 2026-07-21. Review status: criteria provided, single submitter. Criteria: ACMG Guidelines, 2015. Collection method: clinical testing. Allele origin: germline.
Comment: The PDE6B c.299G>A variant is predicted to result in the amino acid substitution p.Arg100His. This variant has been reported in the compound heterozygous state (with either a protein-truncating or canonical splice site variant) and the homozygous state in individuals with retinitis pigmentosa (for example, Neveling et al. 2012. PubMed ID: 22334370; Ge et al. 2015. PubMed ID: 26667666; Comander et al. 2017. PubMed ID: 28981474; Riera et al. 2017. PubMed ID: 28181551). This variant is reported in 0.012% of alleles in individuals of European (Non-Finnish) descent in gnomAD. This variant is interpreted as likely pathogenic.

Labcorp Genetics (formerly Invitae), Labcorp
Classification: Pathogenic. Last evaluated: 2025-01-21. Review status: criteria provided, single submitter. Criteria: Invitae Variant Classification Sherloc (09022015). Collection method: clinical testing. Allele origin: germline.
Comment: This sequence change replaces arginine, which is basic and polar, with histidine, which is basic and polar, at codon 100 of the PDE6B protein (p.Arg100His). This variant is present in population databases (rs555600300, gnomAD 0.01%). This missense change has been observed in individual(s) with autosomal recessive retinitis pigmentosa (PMID: 22334370, 25472526, 26667666, 28981474, 30998820, 32531858; internal data). In at least one individual the data is consistent with being in trans (on the opposite chromosome) from a pathogenic variant. ClinVar contains an entry for this variant (Variation ID: 193073). Invitae Evidence Modeling of protein sequence and biophysical properties (such as structural, functional, and spatial information, amino acid conservation, physicochemical variation, residue mobility, and thermodynamic stability) has been performed for this missense variant. However, the output from this modeling did not meet the statistical confidence thresholds required to predict the impact of this variant on PDE6B protein function. For these reasons, this variant has been classified as Pathogenic.

Blueprint Genetics
Classification: Pathogenic for PDE6B-related disorders. Last evaluated: 2024-09-11. Review status: criteria provided, single submitter. Criteria: ACMG Guidelines, 2015. Collection method: clinical testing. Allele origin: germline. Affected: yes. Observed: 5 variant alleles.

Ocular Genomics Institute, Massachusetts Eye and Ear
Classification: Uncertain significance for Retinitis pigmentosa 40. Last evaluated: 2021-04-08. Review status: criteria provided, single submitter. Criteria: ACMG Guidelines, 2015. Collection method: research. Allele origin: germline. Affected: yes.
Comment: Through a review of available evidence we were able to apply the following criteria: PM2. Based on this evidence we have classified this variant as Variant of Uncertain Significance.

Broad Center for Mendelian Genomics, Broad Institute of MIT and Harvard
Classification: Uncertain significance for Retinitis pigmentosa. Last evaluated: 2021-04-01. Review status: criteria provided, single submitter. Criteria: ACMG Guidelines, 2015. Collection method: curation. Allele origin: germline. Inheritance: Autosomal recessive inheritance. Affected: yes.
Comment: Through a review of available evidence we were able to apply the following criteria: PM2. Based on this evidence we have classified this variant as a Variant of Uncertain Significance. If you have any questions about the classification please reach out to the Pierce Lab.

Institute of Human Genetics, Univ. Regensburg, Univ. Regensburg
Classification: Likely pathogenic for Retinal dystrophy. Last evaluated: 2020-01-01. Review status: criteria provided, single submitter. Criteria: ACMG Guidelines, 2015. Collection method: clinical testing. Allele origin: germline. Affected: yes.

Laboratory for Molecular Medicine, Mass General Brigham Personalized Medicine
Classification: Likely pathogenic for Retinitis pigmentosa. Last evaluated: 2016-02-19. Review status: criteria provided, single submitter. Criteria: LMM Criteria. Collection method: clinical testing. Allele origin: germline. Inheritance: Autosomal recessive inheritance. Observed: 1 variant allele.
Comment: The p.Arg100His variant in PDE6B has been reported in 2 individuals with isolate d Retinitis pigmentosa. Both patients were compound heterozygous with a second p athogenic allele (Neveling 2012, Ge 2015). It has also been identified in 0.017% (5/29388) of European chromosomes by the Exome Aggregation Consortium (dbSNP rs555600300). Although this variant has been seen in the general population, its frequency is low enough to be consistent with a recessive carrier frequency. In summary, although additional studies are require d to fully establish its clinical significance, this variant is likely pathogeni c.

Eurofins Ntd Llc (ga)
Classification: Uncertain significance. Last evaluated: 2015-01-13. Review status: criteria provided, single submitter. Criteria: EGL Classification Definitions 2015. Collection method: clinical testing. Allele origin: germline. Observed: 1 variant allele, 1 heterozygote.

Literature cited by the submitters: PubMed 22334370 (cited by 5 submitters); PubMed 25472526 (cited by 3 submitters); PubMed 26667666 (cited by 4 submitters); PubMed 28981474 (cited by 4 submitters); PubMed 30998820 (cited by Labcorp Genetics (formerly Invitae), Labcorp and Institute of Human Genetics, Univ. Regensburg, Univ. Regensburg); PubMed 32531858 (cited by Labcorp Genetics (formerly Invitae), Labcorp and Institute of Human Genetics, Univ. Regensburg, Univ. Regensburg); PubMed 34906470 (cited by Broad Center for Mendelian Genomics, Broad Institute of MIT and Harvard); PubMed 30609409 (cited by Institute of Human Genetics, Univ. Regensburg, Univ. Regensburg); PubMed 31964843 (cited by Institute of Human Genetics, Univ. Regensburg, Univ. Regensburg).

NM_000283.4(PDE6B):c.299G>A (p.Arg100His)

Gene: PDE6B (phosphodiesterase 6B; plus strand). Cytogenetic location: 4p16.3.
Variant type: single nucleotide variant.
Coding change: c.299G>A on transcript NM_000283.4 (MANE Select); coding-DNA position 299, G replaced by A.
Protein change: p.Arg100His; replaces arginine 100 with histidine.
Molecular consequence: missense variant.
Genome position (GRCh38, 1-based): chr4:625,925, G>A. VCF-style: chr4-625925-G-A. GRCh37 (hg19) VCF-style: chr4-619714-G-A.
Other names: c.299G>A, p.Arg100His (NM_001145291.2); short protein forms R100H.
Identifiers: ClinVar variation 193073 (VCV000193073.28), dbSNP rs555600300, ClinGen allele CA238578.
Genomic context (GRCh38, chr4:625,925, plus strand): 5'-TGCGGCGCCTCTGCACCCTCCTGCAGGCCGACCGCTGCAGCCTCTTCATGTACCGCCAGC[G>A]CAACGGCGTGGCCGAGCTGGCCACCAGGCTTTTCAGCGTGCAGCCGGACAGCGTCCTGGA-3'
Protein context (NP_000274.3, residues 90-110): DRCSLFMYRQ[Arg100His]NGVAELATRL